The following is an entry in ClinVar:

ClinVar aggregate classification (germline): Uncertain significance (1 of 4 stars; one submission).

Conditions:
Hereditary pheochromocytoma and paraganglioma. Also called: Hereditary Paraganglioma-Pheochromocytoma Syndromes; Hereditary paragangliomas and pheochromocytomas; Hereditary pheochromocytoma-paraganglioma. Identifiers: Orphanet 29072, MedGen C4274332, MONDO:0017366.

Submission:

Labcorp Genetics (formerly Invitae), Labcorp
Classification: Uncertain significance for Hereditary pheochromocytoma and paraganglioma. Last evaluated: 2018-08-18. Review status: criteria provided, single submitter. Criteria: Invitae Variant Classification Sherloc (09022015). Collection method: clinical testing. Allele origin: germline.
Comment: This sequence change replaces isoleucine with methionine at codon 41 of the TMEM127 protein (p.Ile41Met). The isoleucine residue is highly conserved and there is a small physicochemical difference between isoleucine and methionine. This variant is not present in population databases (ExAC no frequency). This variant has not been reported in the literature in individuals with TMEM127-related disease. Algorithms developed to predict the effect of missense changes on protein structure and function are either unavailable or do not agree on the potential impact of this missense change (SIFT: "Deleterious"; PolyPhen-2: "Probably Damaging"; Align-GVGD: "Class C0"). In summary, the available evidence is currently insufficient to determine the role of this variant in disease. Therefore, it has been classified as a Variant of Uncertain Significance.

NM_017849.4(TMEM127):c.123C>G (p.Ile41Met)

Genes: TMEM127 (transmembrane protein 127; minus strand), LOC129934333 (ATAC-STARR-seq lymphoblastoid silent region 11759; plus strand). Cytogenetic location: 2q11.2.
Variant type: single nucleotide variant.
Coding change: c.123C>G on transcript NM_017849.4 (MANE Select); coding-DNA position 123, C replaced by G.
Protein change: p.Ile41Met; replaces isoleucine 41 with methionine.
Molecular consequence: missense variant.
Genome position (GRCh38, 1-based): chr2:96,265,259, G>C on the plus strand (C>G on the coding strand, the complement: TMEM127 is on the minus strand). VCF-style: chr2-96265259-G-C. GRCh37 (hg19) VCF-style: chr2-96930997-G-C.
Other names: c.123C>G, p.Ile41Met (NM_001193304.3); short protein forms I41M.
Identifiers: ClinVar variation 640761 (VCV000640761.9), dbSNP rs1573977845, ClinGen allele CA347656070.